The following is an entry in ClinVar:

NM_001172509.2(SATB2):c.1754A>G (p.Gln585Arg)

Genes: SATB2 (SATB homeobox 2; minus strand), LOC126806462 (MED14-independent group 3 enhancer GRCh37_chr2:200136608-200137807; plus strand). Cytogenetic location: 2q33.1.
Variant type: single nucleotide variant.
Coding change: c.1754A>G on transcript NM_001172509.2 (MANE Select); coding-DNA position 1754, A replaced by G.
Protein change: p.Gln585Arg; replaces glutamine 585 with arginine.
Molecular consequence: missense variant.
Genome position (GRCh38, 1-based): chr2:199,272,659, T>C on the plus strand (A>G on the coding strand, the complement: SATB2 is on the minus strand). VCF-style: chr2-199272659-T-C. GRCh37 (hg19) VCF-style: chr2-200137382-T-C.
Other names: c.1754A>G, p.Gln585Arg (NM_001172517.1, NM_015265.4); short protein forms Q585R.
Identifiers: ClinVar variation 958193 (VCV000958193.11), dbSNP rs1692196085, ClinGen allele CA350386081.

ClinVar aggregate classification (germline): Uncertain significance. Review status: criteria provided, multiple submitters, no conflicts (2 of 4 stars). 2 submissions from 2 submitters: Uncertain significance (2). Last evaluated 2020-04-01.

Conditions:
Chromosome 2q32-q33 deletion syndrome (GLASS). Also called: Glass syndrome; 2q33.1 deletion syndrome. Identifiers: Orphanet 251019, MedGen C2676739, MONDO:0012864, OMIM 612313.

Submissions (2):

UNC Molecular Genetics  Laboratory, University of North Carolina at Chapel Hill
Classification: Uncertain significance for Chromosome 2q32-q33 deletion syndrome. Last evaluated: 2020-04-01. Review status: criteria provided, single submitter. Criteria: ACMG Guidelines, 2015. Collection method: research. Allele origin: germline. Observed: 1 variant allele. Study: CSER_NCGENES.
Comment: The SATB2 c.1754A>G (p.Gln585Arg) is a missense variant that changes a single amino acid in the encoded protein from glutamine to arginine. This apparently novel variant has not been observed in affected individuals in the literature or any control population. This variant has conflicting predictions of pathogenicity by in silico tools and its effect on protein function is unknown. This variant is considered a variant of uncertain significance.

Labcorp Genetics (formerly Invitae), Labcorp
Classification: Uncertain significance for Chromosome 2q32-q33 deletion syndrome. Last evaluated: 2019-11-16. Review status: criteria provided, single submitter. Criteria: Invitae Variant Classification Sherloc (09022015). Collection method: clinical testing. Allele origin: germline.
Comment: This sequence change replaces glutamine with arginine at codon 585 of the SATB2 protein (p.Gln585Arg). The glutamine residue is moderately conserved and there is a small physicochemical difference between glutamine and arginine. This variant is not present in population databases (ExAC no frequency). This variant has not been reported in the literature in individuals with SATB2-related conditions. Algorithms developed to predict the effect of missense changes on protein structure and function are either unavailable or do not agree on the potential impact of this missense change (SIFT: "Deleterious"; PolyPhen-2: "Benign"; Align-GVGD: "Class C0"). In summary, the available evidence is currently insufficient to determine the role of this variant in disease. Therefore, it has been classified as a Variant of Uncertain Significance.